The following is an entry in ClinVar:

NM_001458.5(FLNC):c.7888A>T (p.Lys2630Ter)

Genes: FLNC (filamin C; plus strand), FLNC-AS1 (FLNC antisense RNA 1; minus strand). Cytogenetic location: 7q32.1.
Variant type: single nucleotide variant.
Coding change: c.7888A>T on transcript NM_001458.5 (MANE Select); coding-DNA position 7888, A replaced by T.
Protein change: p.Lys2630Ter; replaces lysine 2630 with a stop codon.
Molecular consequence: nonsense.
Genome position (GRCh38, 1-based): chr7:128,858,115, A>T. VCF-style: chr7-128858115-A-T. GRCh37 (hg19) VCF-style: chr7-128498169-A-T.
Other names: c.7789A>T, p.Lys2597Ter (NM_001127487.2); short protein forms K2597*, K2630*.
Identifiers: ClinVar variation 3342972 (VCV003342972.1).
Genomic context (GRCh38, chr7:128,858,115, plus strand): 5'-CTGGTGGAGACTGTGACCAAGTCCTCCTCAAGCCGGGGCTCCAGCTACAGCTCCATCCCC[A>T]AGTTCTCCTCAGATGCCAGCAAGGTGGTGACTCGGGGCCCTGGGCTGTCCCAGGCCTTCG-3'

ClinVar aggregate classification (germline): Likely pathogenic (1 of 4 stars; one submission).

Submission:

GeneDx
Classification: Likely pathogenic. Last evaluated: 2023-10-17. Review status: criteria provided, single submitter. Criteria: GeneDx Variant Classification Process June 2021. Collection method: clinical testing. Allele origin: germline. Affected: yes.
Comment: Nonsense variant predicted to result in protein truncation or nonsense mediated decay in a gene for which loss of function is a known mechanism of disease; Has not been previously published as pathogenic or benign to our knowledge; Not observed at significant frequency in large population cohorts (gnomAD)